The following is an entry in ClinVar:

NM_003172.4(SURF1):c.54+9C>G

Genes: SURF1 (SURF1 cytochrome c oxidase assembly factor; minus strand), LOC130002899 (ATAC-STARR-seq lymphoblastoid silent region 20452; plus strand). Cytogenetic location: 9q34.2.
Variant type: single nucleotide variant.
Coding change: c.54+9C>G on transcript NM_003172.4 (MANE Select); 9 bases into the intron after coding-DNA position 54, C replaced by G.
Molecular consequence: intron variant.
Genome position (GRCh38, 1-based): chr9:133,356,391, G>C on the plus strand (C>G on the coding strand, the complement: SURF1 is on the minus strand). VCF-style: chr9-133356391-G-C. GRCh37 (hg19) VCF-style: chr9-136223267-G-C.
Other names: c.-222+9C>G (NM_001280787.1).
Identifiers: ClinVar variation 139378 (VCV000139378.5), dbSNP rs587675928, ClinGen allele CA293837.

ClinVar aggregate classification (germline): Benign. Review status: criteria provided, multiple submitters, no conflicts (2 of 4 stars). 2 submissions from 2 submitters: Benign (2). Last evaluated 2018-01-13.

Conditions:
Leigh syndrome (NULS). Also called: Leigh's syndrome; Leigh Disease; Subacute necrotizing encephalopathy; Necrotizing encephalopathy infantile subacute of Leigh; Leigh's necrotizing encephalopathy; Leigh's disease. Identifiers: Orphanet 506, MedGen C2931891, MONDO:0009723, OMIM 256000.

Allele frequency attached by ClinVar (database versions not stated): gnomAD exomes 0.00026; gnomAD 0.00055 and 0.00066; 1000 Genomes Project 0.00978; TOPMed 0.01551.

Submissions (2):

Illumina Laboratory Services, Illumina
Classification: Benign for Leigh syndrome. Last evaluated: 2018-01-13. Review status: criteria provided, single submitter. Criteria: ICSL Variant Classification Criteria 13 December 2019. Collection method: clinical testing. Allele origin: germline.
Comment: This variant was observed in the ICSL laboratory as part of a predisposition screen in an ostensibly healthy population. It had not been previously curated by ICSL or reported in the Human Gene Mutation Database (HGMD: prior to June 1st, 2018), and was therefore a candidate for classification through an automated scoring system. Utilizing variant allele frequency, disease prevalence and penetrance estimates, and inheritance mode, an automated score was calculated to assess if this variant is too frequent to cause the disease. Based on the score and internal cut-off values, a variant classified as benign is not then subjected to further curation. The score for this variant resulted in a classification of benign for this disease.

GeneDx
Classification: Benign. Last evaluated: 2011-07-11. Review status: criteria provided, single submitter. Criteria: GeneDx Variant Classification (06012015). Collection method: clinical testing. Allele origin: germline. Affected: yes.
Comment: This variant is considered likely benign or benign based on one or more of the following criteria: it is a conservative change, it occurs at a poorly conserved position in the protein, it is predicted to be benign by multiple in silico algorithms, and/or has population frequency not consistent with disease.